The following is an entry in ClinVar:

NM_006379.5(SEMA3C):c.1975T>C (p.Phe659Leu)

Gene: SEMA3C (semaphorin 3C; minus strand). Cytogenetic location: 7q21.11.
Variant type: single nucleotide variant.
Coding change: c.1975T>C on transcript NM_006379.5 (MANE Select); coding-DNA position 1975, T replaced by C.
Protein change: p.Phe659Leu; replaces phenylalanine 659 with leucine.
Molecular consequence: missense variant.
Genome position (GRCh38, 1-based): chr7:80,745,175, A>G on the plus strand (T>C on the coding strand, the complement: SEMA3C is on the minus strand). VCF-style: chr7-80745175-A-G. GRCh37 (hg19) VCF-style: chr7-80374491-A-G.
Other names: c.2029T>C (NM_001350120.1); c.2029T>C, p.Phe677Leu (NM_001350120.2); c.1801T>C, p.Phe601Leu (NM_001350121.2); short protein forms F601L, F677L, F659L.
Identifiers: ClinVar variation 3439423 (VCV003439423.2).
Genomic context (GRCh38, chr7:80,745,175, plus strand): 5'-AGGTCCATGGGGACCATTTGTCCGTCACAACAGCCACCATTTCTGAATCTAAAACTTTGA[A>G]GTTGATCTTGGCTATGGTCTGCTTGAAACTATTTTCTGTAGCAATGCAGTGATAAAGTCC-3'
Protein context (NP_006370.1, residues 649-669): SFKQTIAKIN[Phe659Leu]KVLDSEMVAV

ClinVar aggregate classification (germline): Uncertain significance. Review status: criteria provided, multiple submitters, no conflicts (2 of 4 stars). 2 submissions from 2 submitters: Uncertain significance (2). Last evaluated 2026-05-11.

Conditions:
SEMA3C-related disorder. Also called: SEMA3C-related condition.

gnomAD v4.1: 5 of 1,614,052 alleles (0.00031%); highest among the groups gnomAD compares: Admixed American, 0.0083%; no homozygotes.

Submissions (2):

PreventionGenetics, part of Exact Sciences
Classification: Uncertain significance for SEMA3C-related condition. Last evaluated: 2026-05-11. Review status: criteria provided, single submitter. Criteria: ACMG Guidelines, 2015. Collection method: clinical testing. Allele origin: germline.
Comment: The SEMA3C c.2029T>C variant is predicted to result in the amino acid substitution p.Phe677Leu. To our knowledge, this variant has not been reported in the literature. This variant is reported in 0.014% of alleles in individuals of Latino descent in gnomAD. At this time, the clinical significance of this variant is uncertain due to the absence of conclusive functional and genetic evidence.

Ambry Genetics
Classification: Uncertain significance. Last evaluated: 2024-10-01. Review status: criteria provided, single submitter. Criteria: Ambry Variant Classification Scheme 2023. Collection method: clinical testing. Allele origin: germline.